The following is an entry in ClinVar:

NM_000302.4(PLOD1):c.577A>C (p.Arg193=)

Gene: PLOD1 (procollagen-lysine,2-oxoglutarate 5-dioxygenase 1; plus strand). Cytogenetic location: 1p36.22.
Variant type: single nucleotide variant.
Coding change: c.577A>C on transcript NM_000302.4 (MANE Select); coding-DNA position 577, A replaced by C.
Protein change: p.Arg193=; no amino-acid change (arginine 193 retained).
Molecular consequence: synonymous variant.
Genome position (GRCh38, 1-based): chr1:11,952,733, A>C. VCF-style: chr1-11952733-A-C. GRCh37 (hg19) VCF-style: chr1-12012790-A-C.
Other names: c.718A>C, p.Arg240= (NM_001316320.2).
Identifiers: ClinVar variation 292285 (VCV000292285.18), dbSNP rs569590633, ClinGen allele CA597948.

ClinVar aggregate classification (germline): Conflicting classifications of pathogenicity. Review status: criteria provided, conflicting classifications (1 of 4 stars). 5 submissions from 5 submitters: Uncertain significance (1); Benign (1); Likely benign (3). Last evaluated 2026-02-24.

Conditions:
Ehlers-Danlos syndrome, kyphoscoliotic type 1 (EDSKSCL1). Also called: EHLERS-DANLOS SYNDROME, TYPE VIA; EHLERS-DANLOS SYNDROME, OCULAR-SCOLIOTIC TYPE; PLOD1-Related Kyphoscoliotic Ehlers-Danlos Syndrome; Ehlers-Danlos syndrome, hydroxylysine-deficient. Identifiers: Orphanet 1900, MedGen C0268342, MONDO:0016002, OMIM 225400. Disease mechanism: loss of function.
Familial thoracic aortic aneurysm and aortic dissection (TAAD). Also called: Thoracic aortic aneurysms and dissections. Identifiers: Orphanet 91387, MedGen C4707243, MONDO:0019625.

Allele frequency attached by ClinVar (database versions not stated): gnomAD below 0.00001 and 0.00003; gnomAD exomes 0.00011 and 0.00026; 1000 Genomes Project 0.00020; ExAC 0.00029; 1000 Genomes Project 30x 0.00047; TOPMed 0.00002.
gnomAD v4.1: 165 of 1,609,404 alleles (0.01%); highest among the groups gnomAD compares: South Asian, 0.18%; 3 homozygotes.

Submissions (5):

Women's Health and Genetics/Laboratory Corporation of America, LabCorp
Classification: Likely benign. Last evaluated: 2026-02-24. Review status: criteria provided, single submitter. Criteria: LabCorp Variant Classification Summary - May 2015. Collection method: clinical testing. Allele origin: germline.
Comment: Variant summary: PLOD1 c.577A>C (p.Arg193Arg) alters a conserved nucleotide located close to a canonical splice site and therefore could affect mRNA splicing, leading to a significantly altered protein sequence. Consensus agreement among computation tools predict no significant impact on normal splicing. However, these predictions have yet to be confirmed by functional studies. The variant allele was found at a frequency of 0.00026 in 251056 control chromosomes, predominantly at a frequency of 0.0022 within the South Asian subpopulation in the gnomAD database, including 1 homozygotes. This frequency is not significantly higher than estimated for disease-causing variants in PLOD1, allowing no conclusion about variant significance. To our knowledge, no occurrence of c.577A>C in individuals affected with PLOD1-related conditions and no experimental evidence demonstrating its impact on protein function have been reported. ClinVar contains an entry for this variant (Variation ID: 292285). Based on the evidence outlined above, the variant was classified as likely benign.

Labcorp Genetics (formerly Invitae), Labcorp
Classification: Benign for Ehlers-Danlos syndrome, kyphoscoliotic type 1. Last evaluated: 2026-01-19. Review status: criteria provided, single submitter. Criteria: Invitae Variant Classification Sherloc (09022015). Collection method: clinical testing. Allele origin: germline.

Blueprint Genetics
Classification: Likely benign. Last evaluated: 2024-09-20. Review status: criteria provided, single submitter. Criteria: ACMG Guidelines, 2015. Collection method: clinical testing. Allele origin: germline.

Ambry Genetics
Classification: Likely benign for Familial thoracic aortic aneurysm and aortic dissection. Last evaluated: 2019-10-10. Review status: criteria provided, single submitter. Criteria: Ambry Variant Classification Scheme 2023. Collection method: clinical testing. Allele origin: germline.

Illumina Laboratory Services, Illumina
Classification: Uncertain significance for Ehlers-Danlos syndrome, kyphoscoliotic type 1. Last evaluated: 2018-01-12. Review status: criteria provided, single submitter. Criteria: ICSL Variant Classification Criteria 13 December 2019. Collection method: clinical testing. Allele origin: germline.